The following is an entry in ClinVar:

ClinVar aggregate classification (germline): Uncertain significance (1 of 4 stars; one submission).

Allele frequency attached by ClinVar (database versions not stated): ExAC 0.00001.
gnomAD v4.1: 2 of 1,614,204 alleles (0.00012%); highest among the groups gnomAD compares: East Asian, 0.0045%; no homozygotes.

Submission:

Labcorp Genetics (formerly Invitae), Labcorp
Classification: Uncertain significance. Last evaluated: 2023-10-22. Review status: criteria provided, single submitter. Criteria: Invitae Variant Classification Sherloc (09022015). Collection method: clinical testing. Allele origin: germline.
Comment: This sequence change replaces threonine, which is neutral and polar, with serine, which is neutral and polar, at codon 595 of the WFS1 protein (p.Thr595Ser). This variant is present in population databases (rs148544389, gnomAD 0.01%). This variant has not been reported in the literature in individuals affected with WFS1-related conditions. Advanced modeling of protein sequence and biophysical properties (such as structural, functional, and spatial information, amino acid conservation, physicochemical variation, residue mobility, and thermodynamic stability) performed at Invitae indicates that this missense variant is not expected to disrupt WFS1 protein function. In summary, the available evidence is currently insufficient to determine the role of this variant in disease. Therefore, it has been classified as a Variant of Uncertain Significance.

NM_006005.3(WFS1):c.1784C>G (p.Thr595Ser)

Gene: WFS1 (wolframin ER transmembrane glycoprotein; plus strand). Cytogenetic location: 4p16.1.
Variant type: single nucleotide variant.
Coding change: c.1784C>G on transcript NM_006005.3 (MANE Select); coding-DNA position 1784, C replaced by G.
Protein change: p.Thr595Ser; replaces threonine 595 with serine.
Molecular consequence: missense variant.
Genome position (GRCh38, 1-based): chr4:6,301,579, C>G. VCF-style: chr4-6301579-C-G. GRCh37 (hg19) VCF-style: chr4-6303306-C-G.
Other names: c.1784C>G, p.Thr595Ser (NM_001145853.1); short protein forms T595S.
Identifiers: ClinVar variation 2764668 (VCV002764668.3), dbSNP rs148544389, ClinGen allele CA2839489.